The following is an entry in ClinVar:

NM_207122.2(EXT2):c.1201del (p.Gln401fs)

Gene: EXT2 (exostosin glycosyltransferase 2; plus strand). Cytogenetic location: 11p11.2.
Variant type: Deletion.
Coding change: c.1201del on transcript NM_207122.2 (MANE Select); coding-DNA position 1201, one base deleted (C; older notation c.1201delC).
Protein change: p.Gln401fs; shifts the reading frame from glutamine 401.
Molecular consequence: frameshift variant. On other transcripts: intron variant (1).
Genome position (GRCh38, 1-based): chr11:44,171,638, C deleted; the last of 2 consecutive C bases (chr11:44,171,637-44,171,638); deleting either gives the same sequence. VCF-style (leftmost placement, unchanged base first): chr11-44171636-TC-T. GRCh37 (hg19) VCF-style: chr11-44193186-TC-T.
Other names: c.1300del, p.Gln434fs (NM_000401.3); c.1201del, p.Gln401fs (NM_001389628.1, NM_001389630.1); c.1267-36del (NM_001178083.3); short protein forms Q401fs, Q434fs.
Identifiers: ClinVar variation 1455305 (VCV001455305.8), dbSNP rs2135127698, ClinGen allele CA2573146290.
Genomic context (GRCh38, chr11:44,171,636, plus strand): 5'-CTTGCTCACTTAAAACAGCATTATTTTCTTTATAGGCCCGGTGGTTCTGGGAAGCGTACT[TC>T]CAGTCAATTAAAGCCATTGCCCTGGCCACCCTGCAGATTATCAATGACCGGATCTATCCA-3'

ClinVar aggregate classification (germline): Pathogenic (1 of 4 stars; one submission).

Conditions:
Exostoses, multiple, type 2 (EXT2). Also called: EXOSTOSES, MULTIPLE, TYPE II; Hereditary Multiple Osteochondromatosis, Type II. Identifiers: Orphanet 321, MedGen C1851413, MONDO:0007586, OMIM 133701.

Submission:

Labcorp Genetics (formerly Invitae), Labcorp
Classification: Pathogenic for Exostoses, multiple, type 2. Last evaluated: 2021-04-11. Review status: criteria provided, single submitter. Criteria: Invitae Variant Classification Sherloc (09022015). Collection method: clinical testing. Allele origin: germline.
Comment: This variant has been observed in individual(s) with clinical features of hereditary multiple osteochondromatosis (PMID: 17041877, 22258776). This variant is also known as c.1200delC. For these reasons, this variant has been classified as Pathogenic. This variant is not present in population databases (ExAC no frequency). This sequence change creates a premature translational stop signal (p.Gln401Serfs*35) in the EXT2 gene. It is expected to result in an absent or disrupted protein product. Loss-of-function variants in EXT2 are known to be pathogenic (PMID: 10679937, 19810120).

Literature cited by the submitters: PubMed 17041877; PubMed 22258776; PubMed 10679937; PubMed 19810120.